The following is an entry in ClinVar:

ClinVar aggregate classification (germline): Uncertain significance. Review status: criteria provided, multiple submitters, no conflicts (2 of 4 stars). 2 submissions from 2 submitters: Uncertain significance (2). Last evaluated 2024-03-15.

Allele frequency attached by ClinVar (database versions not stated): gnomAD exomes below 0.00001; TOPMed below 0.00001; ExAC 0.00001.
gnomAD v4.1: 2 of 1,612,298 alleles (0.00012%); highest among the groups gnomAD compares: East Asian, 0.0022%; no homozygotes.

Submissions (2):

Labcorp Genetics (formerly Invitae), Labcorp
Classification: Uncertain significance. Last evaluated: 2024-03-15. Review status: criteria provided, single submitter. Criteria: Invitae Variant Classification Sherloc (09022015). Collection method: clinical testing. Allele origin: germline.
Comment: This sequence change replaces isoleucine, which is neutral and non-polar, with valine, which is neutral and non-polar, at codon 148 of the IFNAR2 protein (p.Ile148Val). This variant is present in population databases (rs772058604, gnomAD 0.0009%). This variant has not been reported in the literature in individuals affected with IFNAR2-related conditions. ClinVar contains an entry for this variant (Variation ID: 2212332). Algorithms developed to predict the effect of missense changes on protein structure and function output the following: SIFT: "Not Available"; PolyPhen-2: "Benign"; Align-GVGD: "Not Available". The valine amino acid residue is found in multiple mammalian species, which suggests that this missense change does not adversely affect protein function. In summary, the available evidence is currently insufficient to determine the role of this variant in disease. Therefore, it has been classified as a Variant of Uncertain Significance.

Ambry Genetics
Classification: Uncertain significance. Last evaluated: 2022-09-28. Review status: criteria provided, single submitter. Criteria: Ambry Variant Classification Scheme 2023. Collection method: clinical testing. Allele origin: germline.

NM_001289125.3(IFNAR2):c.442A>G (p.Ile148Val)

Genes: IFNAR2 (interferon alpha and beta receptor subunit 2; plus strand), IFNAR2-IL10RB (IFNAR2-IL10RB readthrough; plus strand). Cytogenetic location: 21q22.11.
Variant type: single nucleotide variant.
Coding change: c.442A>G on transcript NM_001289125.3 (MANE Select); coding-DNA position 442, A replaced by G.
Protein change: p.Ile148Val; replaces isoleucine 148 with valine.
Molecular consequence: missense variant.
Genome position (GRCh38, 1-based): chr21:33,248,756, A>G. VCF-style: chr21-33248756-A-G. GRCh37 (hg19) VCF-style: chr21-34621061-A-G.
Other names: c.442A>G, p.Ile148Val (NM_001414505.1, NM_000874.5, NM_001289126.2 and 5 more transcripts); short protein forms I148V.
Identifiers: ClinVar variation 2212332 (VCV002212332.4), dbSNP rs772058604, ClinGen allele CA10005665.